The following is an entry in ClinVar:

ClinVar aggregate classification (germline): Uncertain significance (1 of 4 stars; one submission).

Conditions:
Hereditary cancer-predisposing syndrome. Also called: Hereditary neoplastic syndrome; Neoplastic Syndromes, Hereditary; Tumor predisposition; Hereditary Cancer Syndrome. Identifiers: Orphanet 140162, MedGen C0027672, MeSH D009386, MONDO:0015356.

Submission:

Ambry Genetics
Classification: Uncertain significance for Hereditary cancer-predisposing syndrome. Last evaluated: 2025-03-05. Review status: criteria provided, single submitter. Criteria: Ambry Variant Classification Scheme 2023. Collection method: clinical testing. Allele origin: germline.
Comment: The p.A279V variant (also known as c.836C>T), located in coding exon 5 of the CTNNA1 gene, results from a C to T substitution at nucleotide position 836. The alanine at codon 279 is replaced by valine, an amino acid with similar properties. This amino acid position is conserved. In addition, the in silico prediction for this alteration is inconclusive. Based on the available evidence, the clinical significance of this variant remains unclear.

NM_001903.5(CTNNA1):c.836C>T (p.Ala279Val)

Gene: CTNNA1 (catenin alpha 1; plus strand). Cytogenetic location: 5q31.2.
Variant type: single nucleotide variant.
Coding change: c.836C>T on transcript NM_001903.5 (MANE Select); coding-DNA position 836, C replaced by T.
Protein change: p.Ala279Val; replaces alanine 279 with valine.
Molecular consequence: missense variant.
Genome position (GRCh38, 1-based): chr5:138,824,777, C>T. VCF-style: chr5-138824777-C-T. GRCh37 (hg19) VCF-style: chr5-138160466-C-T.
Other names: c.836C>T, p.Ala279Val (NM_001290307.3, NM_001323982.2, NM_001323983.1 and 3 more transcripts); c.527C>T, p.Ala176Val (NM_001290309.3); c.467C>T, p.Ala156Val (NM_001290310.3); short protein forms A156V, A176V, A279V.
Identifiers: ClinVar variation 3837190 (VCV003837190.1).